The following is an entry in ClinVar:

NM_000257.4(MYH7):c.671A>C (p.Asn224Thr)

Gene: MYH7 (myosin heavy chain 7; minus strand). Cytogenetic location: 14q11.2.
Variant type: single nucleotide variant.
Coding change: c.671A>C on transcript NM_000257.4 (MANE Select); coding-DNA position 671, A replaced by C.
Protein change: p.Asn224Thr; replaces asparagine 224 with threonine.
Molecular consequence: missense variant.
Genome position (GRCh38, 1-based): chr14:23,431,646, T>G on the plus strand (A>C on the coding strand, the complement: MYH7 is on the minus strand). VCF-style: chr14-23431646-T-G. GRCh37 (hg19) VCF-style: chr14-23900855-T-G.
Other names: short protein forms N224T.
Identifiers: ClinVar variation 179817 (VCV000179817.4), dbSNP rs727505148, ClinGen allele CA016618.

ClinVar aggregate classification (germline): Uncertain significance (1 of 4 stars; one submission).

Submission:

Laboratory for Molecular Medicine, Mass General Brigham Personalized Medicine
Classification: Uncertain significance. Last evaluated: 2019-01-18. Review status: criteria provided, single submitter. Criteria: LMM Criteria. Collection method: clinical testing. Allele origin: germline. Observed: 3 variant alleles.
Comment: Variant classified as Uncertain Significance - Favor Pathogenic. Computational prediction tool s and conservation analysis do not provide strong support for or against an impa ct to the protein. Of note, this variant lies in the head region of the protein. Missense variants in this region have been reported and statistically indicated to be more likely to cause disease (Walsh 2016). In summary, while there is som e suspicion for a pathogenic role, the clinical significance of the p.Asn224Thr variant is uncertain. ACMG/AMP Criteria applied: PM1, PM2.